The following is an entry in ClinVar:

ClinVar aggregate classification (germline): Benign. Review status: criteria provided, single submitter (1 of 4 stars). 2 submissions from 1 submitter: Benign (2). Last evaluated 2018-01-13.

Conditions:
Hypobetalipoproteinemia. Identifiers: Orphanet 31154, MedGen C0020597, MONDO:0017774.
Hypercholesterolemia, autosomal dominant, 3 (FHCL3). Also called: PCSK9-Related Familial Hypercholesterolemia, Autosomal Dominant; Familial hypercholesterolemia 3; Familial Hypercholesterolemia, Autosomal Dominant, 3. Identifiers: MedGen C1863551, MONDO:0011369, OMIM 603776.

Allele frequency attached by ClinVar (database versions not stated): gnomAD exomes 0.00307; gnomAD 0.01963; 1000 Genomes Project 0.01977; 1000 Genomes Project 30x 0.02030; TOPMed 0.02091.
gnomAD v4.1: 3,072 of 177,176 alleles (1.7%); highest among the groups gnomAD compares: African/African-American, 6.7%; 95 homozygotes.

Submissions (2):

Illumina Laboratory Services, Illumina
Classification: Benign for Hypobetalipoproteinemia. Last evaluated: 2018-01-13. Review status: criteria provided, single submitter. Criteria: ICSL Variant Classification Criteria 13 December 2019. Collection method: clinical testing. Allele origin: germline.
Comment: This variant was observed in the ICSL laboratory as part of a predisposition screen in an ostensibly healthy population. It had not been previously curated by ICSL or reported in the Human Gene Mutation Database (HGMD: prior to June 1st, 2018), and was therefore a candidate for classification through an automated scoring system. Utilizing variant allele frequency, disease prevalence and penetrance estimates, and inheritance mode, an automated score was calculated to assess if this variant is too frequent to cause the disease. Based on the score and internal cut-off values, a variant classified as benign is not then subjected to further curation. The score for this variant resulted in a classification of benign for this disease.

Illumina Laboratory Services, Illumina
Classification: Benign for Hypercholesterolemia, autosomal dominant, 3. Last evaluated: 2018-01-13. Review status: criteria provided, single submitter. Criteria: ICSL Variant Classification Criteria 13 December 2019. Collection method: clinical testing. Allele origin: germline.
Comment: the same text as in the submission from Illumina Laboratory Services, Illumina above.

NM_174936.4(PCSK9):c.*444G>C

Gene: PCSK9 (proprotein convertase subtilisin/kexin type 9; plus strand). Cytogenetic location: 1p32.3.
Variant type: single nucleotide variant.
Coding change: c.*444G>C on transcript NM_174936.4 (MANE Select); 444 bases downstream of the stop codon, G replaced by C.
Molecular consequence: 3 prime UTR variant.
Genome position (GRCh38, 1-based): chr1:55,064,028, G>C. VCF-style: chr1-55064028-G-C. GRCh37 (hg19) VCF-style: chr1-55529701-G-C.
Other names: c.*444G>C (NM_001407240.1, NM_001407241.1, NM_001407242.1 and 5 more transcripts).
Identifiers: ClinVar variation 297727 (VCV000297727.6), dbSNP rs28362288, ClinGen allele CA10610187.